The following is an entry in ClinVar:

ClinVar aggregate classification (germline): Pathogenic (1 of 4 stars; one submission).

Conditions:
GLUT1 deficiency syndrome 1, autosomal recessive. Identifiers: MedGen C3149117.

Submission:

Labcorp Genetics (formerly Invitae), Labcorp
Classification: Pathogenic for GLUT1 deficiency syndrome 1, autosomal recessive. Last evaluated: 2024-06-04. Review status: criteria provided, single submitter. Criteria: Invitae Variant Classification Sherloc (09022015). Collection method: clinical testing. Allele origin: germline.
Comment: This sequence change replaces tyrosine, which is neutral and polar, with serine, which is neutral and polar, at codon 293 of the SLC2A1 protein (p.Tyr293Ser). This variant is not present in population databases (gnomAD no frequency). This missense change has been observed in individual(s) with clinical features of GLUT1-deficiency syndrome (Invitae). In at least one individual the variant was observed to be de novo. ClinVar contains an entry for this variant (Variation ID: 1471511). Advanced modeling of protein sequence and biophysical properties (such as structural, functional, and spatial information, amino acid conservation, physicochemical variation, residue mobility, and thermodynamic stability) performed at Invitae indicates that this missense variant is expected to disrupt SLC2A1 protein function with a positive predictive value of 95%. This variant disrupts the p.Tyr293 amino acid residue in SLC2A1. Other variant(s) that disrupt this residue have been determined to be pathogenic (Invitae). This suggests that this residue is clinically significant, and that variants that disrupt this residue are likely to be disease-causing. For these reasons, this variant has been classified as Pathogenic.

NM_006516.4(SLC2A1):c.878A>C (p.Tyr293Ser)

Gene: SLC2A1 (solute carrier family 2 member 1; minus strand). Cytogenetic location: 1p34.2.
Variant type: single nucleotide variant.
Coding change: c.878A>C on transcript NM_006516.4 (MANE Select); coding-DNA position 878, A replaced by C.
Protein change: p.Tyr293Ser; replaces tyrosine 293 with serine.
Molecular consequence: missense variant.
Genome position (GRCh38, 1-based): chr1:42,929,304, T>G on the plus strand (A>C on the coding strand, the complement: SLC2A1 is on the minus strand). VCF-style: chr1-42929304-T-G. GRCh37 (hg19) VCF-style: chr1-43394975-T-G.
Other names: short protein forms Y293S.
Identifiers: ClinVar variation 1471511 (VCV001471511.6), dbSNP rs2124448402, ClinGen allele CA339956933.